The following is an entry in ClinVar:

ClinVar aggregate classification (germline): Uncertain significance (1 of 4 stars; one submission).

Conditions:
Developmental and epileptic encephalopathy, 1 (DEE1). Also called: X-linked infantile spasms; West's syndrome; Tonic spasms with clustering, arrest of psychomotor development and hypsarrhythmia on EEG; X-Linked Infantile Spasm Syndrome; OHTAHARA SYNDROME, X-LINKED; INFANTILE SPASM SYNDROME, X-LINKED 1. Identifiers: MedGen C3463992, MONDO:0010632, OMIM 308350. Disease mechanism: loss of function.
Intellectual disability, X-linked, with or without seizures, ARX-related. Also called: Mental retardation, X-linked 52; MENTAL RETARDATION, X-LINKED 29; MENTAL RETARDATION, X-LINKED 32; MENTAL RETARDATION, X-LINKED 33; MENTAL RETARDATION, X-LINKED 38; MENTAL RETARDATION, X-LINKED 43. Identifiers: Orphanet 777, MedGen C0796244, MONDO:0010317, OMIM 300419.

Allele frequency attached by ClinVar (database versions not stated): TOPMed below 0.00001; gnomAD exomes 0.00001; gnomAD 0.00002.
gnomAD v4.1: 17 of 1,155,167 alleles (0.0015%); highest among the groups gnomAD compares: Non-Finnish European, 0.0018%; no homozygotes.

Submission:

Labcorp Genetics (formerly Invitae), Labcorp
Classification: Uncertain significance for Developmental and epileptic encephalopathy, 1; Intellectual disability, X-linked, with or without seizures, ARX-related. Last evaluated: 2023-03-17. Review status: criteria provided, single submitter. Criteria: Invitae Variant Classification Sherloc (09022015). Collection method: clinical testing. Allele origin: germline.
Comment: In summary, the available evidence is currently insufficient to determine the role of this variant in disease. Therefore, it has been classified as a Variant of Uncertain Significance. Advanced modeling of protein sequence and biophysical properties (such as structural, functional, and spatial information, amino acid conservation, physicochemical variation, residue mobility, and thermodynamic stability) performed at Invitae indicates that this missense variant is not expected to disrupt ARX protein function. This variant has not been reported in the literature in individuals affected with ARX-related conditions. This variant is not present in population databases (gnomAD no frequency). This sequence change replaces glutamic acid, which is acidic and polar, with lysine, which is basic and polar, at codon 250 of the ARX protein (p.Glu250Lys).

NM_139058.3(ARX):c.748G>A (p.Glu250Lys)

Gene: ARX (aristaless related homeobox; minus strand). Cytogenetic location: Xp21.3.
Variant type: single nucleotide variant.
Coding change: c.748G>A on transcript NM_139058.3 (MANE Select); coding-DNA position 748, G replaced by A.
Protein change: p.Glu250Lys; replaces glutamic acid 250 with lysine.
Molecular consequence: missense variant.
Genome position (GRCh38, 1-based): chrX:25,013,247, C>T on the plus strand (G>A on the coding strand, the complement: ARX is on the minus strand). VCF-style: chrX-25013247-C-T. GRCh37 (hg19) VCF-style: chrX-25031364-C-T.
Other names: short protein forms E250K.
Identifiers: ClinVar variation 2943949 (VCV002943949.3), dbSNP rs1315423792, ClinGen allele CA412612508.